The following is an entry in ClinVar:

ClinVar aggregate classification (germline): Uncertain significance (1 of 4 stars; one submission).

Conditions:
THOC2-related disorder. Also called: THOC2-related condition.

Allele frequency attached by ClinVar (database versions not stated): ExAC 0.00001; TOPMed 0.00001; gnomAD 0.00004.
gnomAD v4.1: 9 of 1,204,127 alleles (0.00075%); highest among the groups gnomAD compares: African/African-American, 0.007%; no homozygotes.

Submission:

PreventionGenetics, part of Exact Sciences
Classification: Uncertain significance for THOC2-related condition. Last evaluated: 2022-09-30. Review status: criteria provided, single submitter. Criteria: ACMG Guidelines, 2015. Collection method: clinical testing. Allele origin: germline.
Comment: The THOC2 c.722C>T variant is predicted to result in the amino acid substitution p.Pro241Leu. To our knowledge, this variant has not been reported in the literature. This variant is reported in 0.0073% of alleles in individuals of Latino descent in gnomAD. At this time, the clinical significance of this variant is uncertain due to the absence of conclusive functional and genetic evidence.

NM_001081550.2(THOC2):c.722C>T (p.Pro241Leu)

Gene: THOC2 (THO complex subunit 2; minus strand). Cytogenetic location: Xq25.
Variant type: single nucleotide variant.
Coding change: c.722C>T on transcript NM_001081550.2 (MANE Select); coding-DNA position 722, C replaced by T.
Protein change: p.Pro241Leu; replaces proline 241 with leucine.
Molecular consequence: missense variant.
Genome position (GRCh38, 1-based): chrX:123,686,594, G>A on the plus strand (C>T on the coding strand, the complement: THOC2 is on the minus strand). VCF-style: chrX-123686594-G-A. GRCh37 (hg19) VCF-style: chrX-122820444-G-A.
Other names: short protein forms P241L.
Identifiers: ClinVar variation 2637145 (VCV002637145.1), dbSNP rs549256040, ClinGen allele CA10507847.